The following is an entry in ClinVar:

ClinVar aggregate classification (germline): Uncertain significance (1 of 4 stars; one submission).

Conditions:
Cardiovascular phenotype. Identifiers: MedGen CN230736.

Submission:

Ambry Genetics
Classification: Uncertain significance for Cardiovascular phenotype. Last evaluated: 2026-09-14. Review status: criteria provided, single submitter. Criteria: Ambry Variant Classification Scheme 2023. Collection method: clinical testing. Allele origin: germline.
Comment: The p.W920L variant (also known as c.2759G>T), located in coding exon 34 of the CACNA2D1 gene, results from a G to T substitution at nucleotide position 2759. The tryptophan at codon 920 is replaced by leucine, an amino acid with similar properties. This amino acid position is conserved. In addition, the in silico prediction for this alteration is inconclusive. Based on the available evidence, the clinical significance of this variant remains unclear.

NM_000722.4(CACNA2D1):c.2759G>T (p.Trp920Leu)

Gene: CACNA2D1 (calcium voltage-gated channel auxiliary subunit alpha2delta 1; minus strand). Cytogenetic location: 7q21.11.
Variant type: single nucleotide variant.
Coding change: c.2759G>T on transcript NM_000722.4 (MANE Select); coding-DNA position 2759, G replaced by T.
Protein change: p.Trp920Leu; replaces tryptophan 920 with leucine.
Molecular consequence: missense variant.
Genome position (GRCh38, 1-based): chr7:81,964,077, C>A on the plus strand (G>T on the coding strand, the complement: CACNA2D1 is on the minus strand). VCF-style: chr7-81964077-C-A. GRCh37 (hg19) VCF-style: chr7-81593393-C-A.
Other names: c.2795G>T, p.Trp932Leu (NM_001366867.1); short protein forms W920L, W932L.
Identifiers: ClinVar variation 5033647 (VCV005033647.1).
Genomic context (GRCh38, chr7:81,964,077, plus strand): 5'-CTTTCTTTCATTACCAATAAAACTAAAATTTTGACTTACCAGGCAGCAGCAGTGGCCCAC[C>A]AGCCAATTTGTAATATGTCTGCTACTGATGGCTATAAAATAAAATAATAAGGTCATTTCA-3'
Protein context (NP_000713.2, residues 910-930): PSVADILQIG[Trp920Leu]WATAAAWSIL